The following is an entry in ClinVar:

ClinVar aggregate classification (germline): Uncertain significance (1 of 4 stars; one submission).

Allele frequency attached by ClinVar (database versions not stated): gnomAD exomes below 0.00001; gnomAD 0.00001; TOPMed 0.00001.
gnomAD v4.1: 3 of 1,614,060 alleles (0.00019%); highest among the groups gnomAD compares: Non-Finnish European, 0.00017%; no homozygotes.

Submission:

Labcorp Genetics (formerly Invitae), Labcorp
Classification: Uncertain significance. Last evaluated: 2021-11-12. Review status: criteria provided, single submitter. Criteria: Invitae Variant Classification Sherloc (09022015). Collection method: clinical testing. Allele origin: germline.
Comment: This sequence change replaces phenylalanine, which is neutral and non-polar, with leucine, which is neutral and non-polar, at codon 541 of the TUBGCP4 protein (p.Phe541Leu). In summary, the available evidence is currently insufficient to determine the role of this variant in disease. Therefore, it has been classified as a Variant of Uncertain Significance. Algorithms developed to predict the effect of missense changes on protein structure and function are either unavailable or do not agree on the potential impact of this missense change (SIFT: "Deleterious"; PolyPhen-2: "Possibly Damaging"; Align-GVGD: "Class C15"). This variant has not been reported in the literature in individuals affected with TUBGCP4-related conditions. This variant is not present in population databases (gnomAD no frequency).

NM_014444.5(TUBGCP4):c.1618T>C (p.Phe540Leu)

Gene: TUBGCP4 (tubulin gamma complex component 4; plus strand). Cytogenetic location: 15q15.3.
Variant type: single nucleotide variant.
Coding change: c.1618T>C on transcript NM_014444.5 (MANE Select); coding-DNA position 1618, T replaced by C.
Protein change: p.Phe540Leu; replaces phenylalanine 540 with leucine.
Molecular consequence: missense variant.
Genome position (GRCh38, 1-based): chr15:43,401,737, T>C. VCF-style: chr15-43401737-T-C. GRCh37 (hg19) VCF-style: chr15-43693935-T-C.
Other names: c.1621T>C, p.Phe541Leu (NM_001286414.3); short protein forms F540L, F541L.
Identifiers: ClinVar variation 1498659 (VCV001498659.6), dbSNP rs1186518411, ClinGen allele CA392137380.